The following is an entry in ClinVar:

ClinVar aggregate classification (germline): Conflicting classifications of pathogenicity. Review status: criteria provided, conflicting classifications (1 of 4 stars). 2 submissions from 2 submitters: Likely pathogenic (1); Uncertain significance (1). Last evaluated 2026-01-22.

Conditions:
Hereditary spastic paraplegia 56. Also called: Spastic paraplegia 56, autosomal recessive; Spastic Paraplegia 56; SPASTIC PARAPLEGIA 56, AUTOSOMAL RECESSIVE, WITH OR WITHOUT PSEUDOXANTHOMA ELASTICUM. Identifiers: Orphanet 320411, MedGen C3539507, MONDO:0014015, OMIM 615030.

Submissions (2):

3billion
Classification: Uncertain significance for Hereditary spastic paraplegia 56. Last evaluated: 2026-01-22. Review status: criteria provided, single submitter. Criteria: ACMG Guidelines, 2015. Collection method: clinical testing. Allele origin: germline. Affected: yes.
Comment: The variant is not observed in the gnomAD v4.1.0 dataset. Predicted Consequence/Location: Missense variant In silico tool predictions suggest damaging effect of the variant on gene or gene product [REVEL: 0.95 (>=0.6, sensitivity 0.68 and specificity 0.92)]. The same nucleotide change resulting in the same amino acid change has been previously reported to be associated with CYP2U1-related disorder (ClinVar ID: VCV002500180). However, the evidence of pathogenicity is insufficient at this time. Therefore, this variant is classified as VUS according to the recommendation of ACMG/AMP guideline.

Neurometabolic Diseases Laboratory, Bellvitge Biomedical Research Institute (IDIBELL)
Classification: Likely pathogenic for Hereditary spastic paraplegia 56. Last evaluated: 2023-04-27. Review status: criteria provided, single submitter. Criteria: ACMG Guidelines, 2015. Collection method: research. Allele origin: germline. Affected: yes.

NM_183075.3(CYP2U1):c.533G>C (p.Arg178Thr)

Gene: CYP2U1 (cytochrome P450 family 2 subfamily U member 1; plus strand). Cytogenetic location: 4q25.
Variant type: single nucleotide variant.
Coding change: c.533G>C on transcript NM_183075.3 (MANE Select); coding-DNA position 533, G replaced by C.
Protein change: p.Arg178Thr; replaces arginine 178 with threonine.
Molecular consequence: missense variant.
Genome position (GRCh38, 1-based): chr4:107,945,012, G>C. VCF-style: chr4-107945012-G-C. GRCh37 (hg19) VCF-style: chr4-108866168-G-C.
Other names: short protein forms R178T.
Identifiers: ClinVar variation 2500180 (VCV002500180.2), dbSNP rs1183645965, ClinGen allele CA357836376.